The following is an entry in ClinVar:

ClinVar aggregate classification (germline): Uncertain significance (1 of 4 stars; one submission).

Conditions:
Infantile-onset ascending hereditary spastic paralysis (IAHSP). Also called: Autosomal Recessive Juvenile Amyotrophic Lateral Sclerosis; Infantile-Onset Ascending Hereditary Spastic Paralysis (IAHSP). Identifiers: Orphanet 293168, MedGen C2931441, MONDO:0011797, OMIM 607225. Disease mechanism: loss of function.

Submission:

Labcorp Genetics (formerly Invitae), Labcorp
Classification: Uncertain significance for Infantile-onset ascending hereditary spastic paralysis. Last evaluated: 2022-03-13. Review status: criteria provided, single submitter. Criteria: Invitae Variant Classification Sherloc (09022015). Collection method: clinical testing. Allele origin: germline.
Comment: In summary, the available evidence is currently insufficient to determine the role of this variant in disease. Therefore, it has been classified as a Variant of Uncertain Significance. Algorithms developed to predict the effect of sequence changes on RNA splicing suggest that this variant may disrupt the consensus splice site. Algorithms developed to predict the effect of missense changes on protein structure and function (SIFT, PolyPhen-2, Align-GVGD) all suggest that this variant is likely to be disruptive. This variant has not been reported in the literature in individuals affected with ALS2-related conditions. This variant is not present in population databases (gnomAD no frequency). This sequence change replaces aspartic acid, which is acidic and polar, with histidine, which is basic and polar, at codon 1570 of the ALS2 protein (p.Asp1570His).

NM_020919.4(ALS2):c.4708G>C (p.Asp1570His)

Gene: ALS2 (alsin Rho guanine nucleotide exchange factor ALS2; minus strand). Cytogenetic location: 2q33.1.
Variant type: single nucleotide variant.
Coding change: c.4708G>C on transcript NM_020919.4 (MANE Select); coding-DNA position 4708, G replaced by C.
Protein change: p.Asp1570His; replaces aspartic acid 1570 with histidine.
Molecular consequence: missense variant.
Genome position (GRCh38, 1-based): chr2:201,704,584, C>G on the plus strand (G>C on the coding strand, the complement: ALS2 is on the minus strand). VCF-style: chr2-201704584-C-G. GRCh37 (hg19) VCF-style: chr2-202569307-C-G.
Other names: c.4705G>C, p.Asp1569His (NM_001410975.1); short protein forms D1570H, D1569H.
Identifiers: ClinVar variation 2110930 (VCV002110930.4), dbSNP rs2469681880, ClinGen allele CA350321070.
Genomic context (GRCh38, chr2:201,704,584, plus strand): 5'-GTGACGCCAGGACACTCTGAGAGATCTCCTCAAAAGTCTGCTGGATGACCTTAAGTTTGT[C>G]TGATGGGGTAAATGTTGTGCTGTTACAGAAACAATGACAAAAAGACATCCTATAATTTTC-3'
Protein context (NP_065970.2, residues 1560-1580): QQISTTFTPS[Asp1570His]KLKVIQQTFE